The following is an entry in ClinVar:

NM_025009.5(CEP135):c.2396T>C (p.Leu799Pro)

Gene: CEP135 (centrosomal protein 135; plus strand). Cytogenetic location: 4q12.
Variant type: single nucleotide variant.
Coding change: c.2396T>C on transcript NM_025009.5 (MANE Select); coding-DNA position 2396, T replaced by C.
Protein change: p.Leu799Pro; replaces leucine 799 with proline.
Molecular consequence: missense variant.
Genome position (GRCh38, 1-based): chr4:56,009,794, T>C. VCF-style: chr4-56009794-T-C. GRCh37 (hg19) VCF-style: chr4-56875960-T-C.
Other names: c.2396T>C (NM_025009.3); short protein forms L799P.
Identifiers: ClinVar variation 1356777 (VCV001356777.6), dbSNP rs751118192, ClinGen allele CA2928148.

ClinVar aggregate classification (germline): Uncertain significance. Review status: criteria provided, multiple submitters, no conflicts (2 of 4 stars). 2 submissions from 2 submitters: Uncertain significance (2). Last evaluated 2023-02-28.

Conditions:
Inborn genetic diseases. Identifiers: MedGen C0950123, MeSH D030342.

Allele frequency attached by ClinVar (database versions not stated): ExAC 0.00003; gnomAD exomes 0.00003 and 0.00007; gnomAD 0.00005 and 0.00006; TOPMed 0.00005.
gnomAD v4.1: 114 of 1,613,910 alleles (0.0071%); highest among the groups gnomAD compares: Non-Finnish European, 0.0091%; no homozygotes.

Submissions (2):

Ambry Genetics
Classification: Uncertain significance for Inborn genetic diseases. Last evaluated: 2023-02-28. Review status: criteria provided, single submitter. Criteria: Ambry Variant Classification Scheme 2023. Collection method: clinical testing. Allele origin: germline.

Labcorp Genetics (formerly Invitae), Labcorp
Classification: Uncertain significance. Last evaluated: 2021-08-31. Review status: criteria provided, single submitter. Criteria: Invitae Variant Classification Sherloc (09022015). Collection method: clinical testing. Allele origin: germline.
Comment: This sequence change replaces leucine with proline at codon 799 of the CEP135 protein (p.Leu799Pro). The leucine residue is highly conserved and there is a moderate physicochemical difference between leucine and proline. This variant is present in population databases (rs751118192, ExAC 0.006%). This variant has not been reported in the literature in individuals affected with CEP135-related conditions. Algorithms developed to predict the effect of missense changes on protein structure and function are either unavailable or do not agree on the potential impact of this missense change (SIFT: "Tolerated"; PolyPhen-2: "Probably Damaging"; Align-GVGD: "Class C0"). In summary, the available evidence is currently insufficient to determine the role of this variant in disease. Therefore, it has been classified as a Variant of Uncertain Significance.